The following is an entry in ClinVar:

NM_024665.7(TBL1XR1):c.724A>C (p.Thr242Pro)

Genes: TBL1XR1 (TBL1X/Y related 1; minus strand), TBL1XR1-AS1 (TBL1XR1 antisense RNA 1; plus strand). Cytogenetic location: 3q26.32.
Variant type: single nucleotide variant.
Coding change: c.724A>C on transcript NM_024665.7 (MANE Select); coding-DNA position 724, A replaced by C.
Protein change: p.Thr242Pro; replaces threonine 242 with proline.
Molecular consequence: missense variant.
Genome position (GRCh38, 1-based): chr3:177,047,528, T>G on the plus strand (A>C on the coding strand, the complement: TBL1XR1 is on the minus strand). VCF-style: chr3-177047528-T-G. GRCh37 (hg19) VCF-style: chr3-176765316-T-G.
Other names: c.724A>C, p.Thr242Pro (NM_001321193.3, NM_001321194.3, NM_001374327.1 and 2 more transcripts); c.463A>C, p.Thr155Pro (NM_001321195.3, NM_001374330.1); short protein forms T155P, T242P.
Identifiers: ClinVar variation 2572833 (VCV002572833.1), dbSNP rs2473702055, ClinGen allele CA355552315.
Genomic context (GRCh38, chr3:177,047,528, plus strand): 5'-GGAAAATGCTTCATTTACCATCTTTAGTCCATATTCTGGCAAACCCATCATAGGAACCAG[T>G]TGCTAGAAGTGTACCTTCACTCTGCCAGAGAAAAACATTTCTTTAATTATATAATCTAGA-3'
Protein context (NP_078941.2, residues 232-252): DWNSEGTLLA[Thr242Pro]GSYDGFARIW

ClinVar aggregate classification (germline): Pathogenic (1 of 4 stars; one submission).

Submission:

GeneDx
Classification: Pathogenic. Last evaluated: 2023-01-12. Review status: criteria provided, single submitter. Criteria: GeneDx Variant Classification Process June 2021. Collection method: clinical testing. Allele origin: germline. Affected: yes.
Comment: In silico analysis supports that this missense variant has a deleterious effect on protein structure/function; Not observed at significant frequency in large population cohorts (gnomAD); This variant is associated with the following publications: (PMID: 30581057, 33527360)